The following is an entry in ClinVar:

ClinVar aggregate classification (germline): Likely benign (1 of 4 stars; one submission).

Allele frequency attached by ClinVar (database versions not stated): 1000 Genomes Project 30x 0.00031; ESP Exome Variant Server 0.00015; 1000 Genomes Project 0.00020; TOPMed 0.00022; gnomAD 0.00023; ExAC 0.00025; gnomAD exomes 0.00029.
gnomAD v4.1: 466 of 1,610,316 alleles (0.029%); highest among the groups gnomAD compares: Non-Finnish European, 0.024%; 1 homozygote.

Submission:

CeGaT Center for Human Genetics Tuebingen
Classification: Likely benign. Last evaluated: 2023-03-01. Review status: criteria provided, single submitter. Criteria: CeGaT Center For Human Genetics Tuebingen Variant Classification Criteria Version 2. Collection method: clinical testing. Allele origin: germline. Affected: yes. Observed: 1 variant allele.
Comment: GPRC5C: BP4, BP7

NM_022036.4(GPRC5C):c.1323C>T (p.Asp441=)

Gene: GPRC5C (G protein-coupled receptor class C group 5 member C; plus strand). Cytogenetic location: 17q25.1.
Variant type: single nucleotide variant.
Coding change: c.1323C>T on transcript NM_022036.4 (MANE Select); coding-DNA position 1323, C replaced by T.
Protein change: p.Asp441=; no amino-acid change (aspartic acid 441 retained).
Molecular consequence: synonymous variant. On other transcripts: intron variant (1).
Genome position (GRCh38, 1-based): chr17:74,447,025, C>T. VCF-style: chr17-74447025-C-T. GRCh37 (hg19) VCF-style: chr17-72443164-C-T.
Other names: c.1323C>T, p.Asp441= (NM_001366262.2, NM_018653.5); c.1296+27C>T (NM_001366261.2).
Identifiers: ClinVar variation 2648223 (VCV002648223.24), dbSNP rs140956731, ClinGen allele CA8748240.
Genomic context (GRCh38, chr17:74,447,025, plus strand): 5'-GGCCACACCGCCGAAAGACGGCAAGAACTCTCAGGTCTTTAGAAACCCCTACGTGTGGGA[C>T]TGAGTCAGCGGTGGCGAGGAGAGGCGGGCGGATTTGGGGAGGGCCCTGAGGACCTGGCCC-3'
Protein context (NP_071319.3, residues 431-441): SQVFRNPYVW[Asp441=]